The following is an entry in ClinVar:

ClinVar aggregate classification (germline): Conflicting classifications of pathogenicity. Review status: criteria provided, conflicting classifications (1 of 4 stars). 3 submissions from 3 submitters: Uncertain significance (2); Benign (1). Last evaluated 2025-11-05.

Conditions:
Hereditary breast ovarian cancer syndrome. Also called: Hereditary breast and/or ovarian cancer syndrome; BRCA1- and BRCA2-Associated Hereditary Breast and Ovarian Cancer; Breast and ovarian cancer; Hereditary breast and ovarian cancer; Hereditary breast and ovarian cancer syndrome; Hereditary breast and ovarian cancer syndrome (HBOC). Identifiers: Orphanet 145, MedGen C0677776, MeSH D061325, MONDO:0003582. Disease mechanism: loss of function.
Hereditary cancer-predisposing syndrome. Also called: Hereditary neoplastic syndrome; Tumor predisposition; Hereditary Cancer Syndrome; Neoplastic Syndromes, Hereditary. Identifiers: Orphanet 140162, MedGen C0027672, MeSH D009386, MONDO:0015356.

Submissions (3):

Ambry Genetics
Classification: Benign for Hereditary cancer-predisposing syndrome. Last evaluated: 2025-11-05. Review status: criteria provided, single submitter. Criteria: Ambry Variant Classification Scheme 2023. Collection method: clinical testing. Allele origin: germline.

Labcorp Genetics (formerly Invitae), Labcorp
Classification: Uncertain significance for Hereditary breast ovarian cancer syndrome. Last evaluated: 2023-04-09. Review status: criteria provided, single submitter. Criteria: Invitae Variant Classification Sherloc (09022015). Collection method: clinical testing. Allele origin: germline.
Comment: In summary, the available evidence is currently insufficient to determine the role of this variant in disease. Therefore, it has been classified as a Variant of Uncertain Significance. Advanced modeling of protein sequence and biophysical properties (such as structural, functional, and spatial information, amino acid conservation, physicochemical variation, residue mobility, and thermodynamic stability) performed at Invitae indicates that this missense variant is not expected to disrupt BRCA2 protein function. ClinVar contains an entry for this variant (Variation ID: 491323). This variant has not been reported in the literature in individuals affected with BRCA2-related conditions. This variant is not present in population databases (gnomAD no frequency). This sequence change replaces isoleucine, which is neutral and non-polar, with valine, which is neutral and non-polar, at codon 2490 of the BRCA2 protein (p.Ile2490Val).

Color Diagnostics, LLC DBA Color Health
Classification: Uncertain significance for Hereditary cancer-predisposing syndrome. Last evaluated: 2020-01-16. Review status: criteria provided, single submitter. Criteria: ACMG Guidelines, 2015. Collection method: clinical testing. Allele origin: germline.
Comment: This missense variant replaces isoleucine with valine at codon 2490 of the BRCA2 protein. Computational prediction suggests that this variant may not impact protein structure and function (internally defined REVEL score threshold <= 0.5, PMID: 27666373). Splice site prediction tools suggest that this variant may not impact RNA splicing. To our knowledge, functional studies have not been performed for this variant. This variant has not been reported in individuals affected with hereditary cancer in the literature. This variant has not been identified in the general population by the Genome Aggregation Database (gnomAD). The available evidence is insufficient to determine the role of this variant in disease conclusively. Therefore, this variant is classified as a Variant of Uncertain Significance.

Literature cited by the submitters: PubMed 39779848 (cited by Ambry Genetics); PubMed 39779857 (cited by Ambry Genetics).

NM_000059.4(BRCA2):c.7468A>G (p.Ile2490Val)

Gene: BRCA2 (BRCA2 DNA repair associated; plus strand). Cytogenetic location: 13q13.1.
Variant type: single nucleotide variant.
Coding change: c.7468A>G on transcript NM_000059.4 (MANE Select); coding-DNA position 7468, A replaced by G.
Protein change: p.Ile2490Val; replaces isoleucine 2490 with valine.
Molecular consequence: missense variant.
Genome position (GRCh38, 1-based): chr13:32,356,460, A>G. VCF-style: chr13-32356460-A-G. GRCh37 (hg19) VCF-style: chr13-32930597-A-G.
Other names: short protein forms I2490V.
Identifiers: ClinVar variation 491323 (VCV000491323.9), dbSNP rs1555286235, ClinGen allele CA387743199.